The following is an entry in ClinVar:

NM_005359.6(SMAD4):c.1090T>C (p.Leu364=)

Gene: SMAD4 (SMAD family member 4; plus strand). Cytogenetic location: 18q21.2.
Variant type: single nucleotide variant.
Coding change: c.1090T>C on transcript NM_005359.6 (MANE Select); coding-DNA position 1090, T replaced by C.
Protein change: p.Leu364=; no amino-acid change (leucine 364 retained).
Molecular consequence: synonymous variant.
Genome position (GRCh38, 1-based): chr18:51,065,557, T>C. VCF-style: chr18-51065557-T-C. GRCh37 (hg19) VCF-style: chr18-48591927-T-C.
Identifiers: ClinVar variation 628671 (VCV000628671.14), dbSNP rs1568208261, ClinGen allele CA503874165.
Genomic context (GRCh38, chr18:51,065,557, plus strand): 5'-AGCTGCCCTATTGTTACTGTTGATGGATACGTGGACCCTTCTGGAGGAGATCGCTTTTGT[T>C]TGGGTCAACTCTCCAATGTCCACAGGACAGAAGCCATTGAGAGAGCAAGGTATTGATTGT-3'
Protein context (NP_005350.1, residues 354-374): VDPSGGDRFC[Leu364=]GQLSNVHRTE

ClinVar aggregate classification (germline): Benign/Likely benign. Review status: criteria provided, multiple submitters, no conflicts (2 of 4 stars). 4 submissions from 4 submitters: Benign (1); Likely benign (3). Last evaluated 2025-03-21.

Conditions:
Juvenile polyposis syndrome (JPS). Identifiers: Orphanet 2929, MedGen C0345893, MONDO:0017380, OMIM 174900.
Hereditary cancer-predisposing syndrome. Also called: Hereditary neoplastic syndrome; Neoplastic Syndromes, Hereditary; Tumor predisposition; Hereditary Cancer Syndrome. Identifiers: Orphanet 140162, MedGen C0027672, MeSH D009386, MONDO:0015356.
Familial thoracic aortic aneurysm and aortic dissection (TAAD). Also called: Thoracic aortic aneurysms and dissections. Identifiers: Orphanet 91387, MedGen C4707243, MONDO:0019625.
Juvenile polyposis/hereditary hemorrhagic telangiectasia syndrome (JPHT). Also called: Juvenile Polyposis Syndrome / Hereditary Hemorrhagic Telangiectasia (JPS/HHT); JP/HHT SYNDROME; JUVENILE POLYPOSIS WITH HEREDITARY HEMORRHAGIC TELANGIECTASIA; POLYPOSIS, GENERALIZED JUVENILE, WITH PULMONARY ARTERIOVENOUS MALFORMATION; TELANGIECTASIA, HEREDITARY HEMORRHAGIC, WITH JUVENILE POLYPOSIS COLI. Identifiers: Orphanet 2929, MedGen C1832942, MONDO:0008278, OMIM 175050.

Allele frequency attached by ClinVar (database versions not stated): gnomAD exomes below 0.00001.
gnomAD v4.1: 1 of 1,614,200 alleles (0.000062%); highest among the groups gnomAD compares: Non-Finnish European, 0.000085%; no homozygotes.

Submissions (4):

Myriad Genetics, Inc.
Classification: Benign for Juvenile polyposis/hereditary hemorrhagic telangiectasia syndrome. Last evaluated: 2025-03-21. Review status: criteria provided, single submitter. Criteria: Myriad Autosomal Dominant, Autosomal Recessive and X-Linked Classification Criteria (2023). Collection method: clinical testing. Allele origin: unknown.
Comment: This variant is considered benign. This variant is a silent/synonymous amino acid change and it is not expected to impact splicing.

Labcorp Genetics (formerly Invitae), Labcorp
Classification: Likely benign for Juvenile polyposis syndrome. Last evaluated: 2025-03-03. Review status: criteria provided, single submitter. Criteria: Invitae Variant Classification Sherloc (09022015). Collection method: clinical testing. Allele origin: germline.

Ambry Genetics
Classification: Likely benign for Hereditary cancer-predisposing syndrome; Familial thoracic aortic aneurysm and aortic dissection. Last evaluated: 2021-11-30. Review status: criteria provided, single submitter. Criteria: Ambry Variant Classification Scheme 2023. Collection method: clinical testing. Allele origin: germline.

Color Diagnostics, LLC DBA Color Health
Classification: Likely benign for Hereditary cancer-predisposing syndrome. Last evaluated: 2018-06-12. Review status: criteria provided, single submitter. Criteria: ACMG Guidelines, 2015. Collection method: clinical testing. Allele origin: germline.